The following is an entry in ClinVar:

ClinVar aggregate classification (germline): Uncertain significance (1 of 4 stars; one submission).

Conditions:
Inborn genetic diseases. Identifiers: MedGen C0950123, MeSH D030342.

Submission:

Ambry Genetics
Classification: Uncertain significance for Inborn genetic diseases. Last evaluated: 2021-08-17. Review status: criteria provided, single submitter. Criteria: Ambry Variant Classification Scheme 2023. Collection method: clinical testing. Allele origin: germline.
Comment: The p.L1208V variant (also known as c.3622C>G), located in coding exon 27 of the SBF2 gene, results from a C to G substitution at nucleotide position 3622. The leucine at codon 1208 is replaced by valine, an amino acid with highly similar properties. This amino acid position is conserved. In addition, the in silico prediction for this alteration is inconclusive. Since supporting evidence is limited at this time, the clinical significance of this alteration remains unclear.

NM_030962.4(SBF2):c.3622C>G (p.Leu1208Val)

Gene: SBF2 (SET binding factor 2; minus strand). Cytogenetic location: 11p15.4.
Variant type: single nucleotide variant.
Coding change: c.3622C>G on transcript NM_030962.4 (MANE Select); coding-DNA position 3622, C replaced by G.
Protein change: p.Leu1208Val; replaces leucine 1208 with valine.
Molecular consequence: missense variant.
Genome position (GRCh38, 1-based): chr11:9,832,254, G>C on the plus strand (C>G on the coding strand, the complement: SBF2 is on the minus strand). VCF-style: chr11-9832254-G-C. GRCh37 (hg19) VCF-style: chr11-9853801-G-C.
Other names: c.3622C>G, p.Leu1208Val (NM_001386339.1); c.3493C>G, p.Leu1165Val (NM_001386342.1); short protein forms L1208V, L1165V.
Identifiers: ClinVar variation 1733335 (VCV001733335.2), dbSNP rs2494697999, ClinGen allele CA379645518.